The following is an entry in ClinVar:

ClinVar aggregate classification (germline): Uncertain significance (1 of 4 stars; one submission).

Submission:

Labcorp Genetics (formerly Invitae), Labcorp
Classification: Uncertain significance. Last evaluated: 2024-12-12. Review status: criteria provided, single submitter. Criteria: Invitae Variant Classification Sherloc (09022015). Collection method: clinical testing. Allele origin: germline.
Comment: This sequence change replaces glycine, which is neutral and non-polar, with arginine, which is basic and polar, at codon 1448 of the ALPK3 protein (p.Gly1448Arg). This variant is not present in population databases (gnomAD no frequency). This variant has not been reported in the literature in individuals affected with ALPK3-related conditions. An algorithm developed to predict the effect of missense changes on protein structure and function (PolyPhen-2) suggests that this variant is likely to be disruptive. In summary, the available evidence is currently insufficient to determine the role of this variant in disease. Therefore, it has been classified as a Variant of Uncertain Significance.

NM_020778.5(ALPK3):c.3736G>C (p.Gly1246Arg)

Gene: ALPK3 (alpha kinase 3; plus strand). Cytogenetic location: 15q25.3.
Variant type: single nucleotide variant.
Coding change: c.3736G>C on transcript NM_020778.5 (MANE Select); coding-DNA position 3736, G replaced by C.
Protein change: p.Gly1246Arg; replaces glycine 1246 with arginine.
Molecular consequence: missense variant.
Genome position (GRCh38, 1-based): chr15:84,858,474, G>C. VCF-style: chr15-84858474-G-C. GRCh37 (hg19) VCF-style: chr15-85401705-G-C.
Other names: short protein forms G1246R.
Identifiers: ClinVar variation 3727066 (VCV003727066.2).
Genomic context (GRCh38, chr15:84,858,474, plus strand): 5'-GTGCCTCGGGCAGAGGAGGAGCTGGCGGCAGGAGACCTGGGCCCCAGCCCCAAGGCCGGC[G>C]GTCTGGACACAGAGGTGGCCCTGGATGAAGGCAAGCAGGAGACACTGGCCAAGCCCAGGA-3'
Protein context (NP_065829.4, residues 1236-1256): GDLGPSPKAG[Gly1246Arg]LDTEVALDEG